The following is an entry in ClinVar:

ClinVar aggregate classification (germline): Uncertain significance (1 of 4 stars; one submission).

Allele frequency attached by ClinVar (database versions not stated): ExAC 0.00002; TOPMed 0.00001.
gnomAD v4.1: 7 of 1,608,436 alleles (0.00044%); highest among the groups gnomAD compares: South Asian, 0.0011%; no homozygotes.

Submission:

Labcorp Genetics (formerly Invitae), Labcorp
Classification: Uncertain significance. Last evaluated: 2025-06-12. Review status: criteria provided, single submitter. Criteria: Invitae Variant Classification Sherloc (09022015). Collection method: clinical testing. Allele origin: germline.
Comment: This sequence change falls in intron 15 of the LAMA5 gene. It does not directly change the encoded amino acid sequence of the LAMA5 protein. It affects a nucleotide within the consensus splice site. This variant is present in population databases (rs769678733, gnomAD 0.003%). This variant has not been reported in the literature in individuals affected with LAMA5-related conditions. ClinVar contains an entry for this variant (Variation ID: 3007743). Variants that disrupt the consensus splice site are a relatively common cause of aberrant splicing (PMID: 17576681, 9536098). Algorithms developed to predict the effect of sequence changes on RNA splicing suggest that this variant is not likely to affect RNA splicing. In summary, the available evidence is currently insufficient to determine the role of this variant in disease. Therefore, it has been classified as a Variant of Uncertain Significance.

Literature cited by the submitters: PubMed 17576681; PubMed 9536098.

NM_005560.6(LAMA5):c.2027-3C>T

Gene: LAMA5 (laminin subunit alpha 5; minus strand). Cytogenetic location: 20q13.33.
Variant type: single nucleotide variant.
Coding change: c.2027-3C>T on transcript NM_005560.6 (MANE Select); 3 bases into the intron before coding-DNA position 2027, C replaced by T.
Molecular consequence: intron variant.
Genome position (GRCh38, 1-based): chr20:62,337,730, G>A on the plus strand (C>T on the coding strand, the complement: LAMA5 is on the minus strand). VCF-style: chr20-62337730-G-A. GRCh37 (hg19) VCF-style: chr20-60912786-G-A.
Identifiers: ClinVar variation 3007743 (VCV003007743.3), dbSNP rs769678733, ClinGen allele CA9943655.
Genomic context (GRCh38, chr20:62,337,730, plus strand): 5'-TGCCCACTCCGGGGGTCACAGGCTGCGTGCAGGGAGCCTTCAGCAGAGCAGTGGCAGGCT[G>A]CAGACAAGGATAGCTGTGGGCACGCAGTGGAGACTGCACCTGCCTCCCCACCACTTCCTC-3'